The following is an entry in ClinVar:

ClinVar aggregate classification (germline): Likely benign. Review status: criteria provided, multiple submitters, no conflicts (2 of 4 stars). 2 submissions from 2 submitters: Likely benign (2). Last evaluated 2024-11-12.

Allele frequency attached by ClinVar (database versions not stated): TOPMed 0.00004; ESP Exome Variant Server 0.00008; 1000 Genomes Project 30x 0.00016; 1000 Genomes Project 0.00020; gnomAD exomes 0.00003; ExAC 0.00004; gnomAD 0.00004.
gnomAD v4.1: 52 of 1,612,520 alleles (0.0032%); highest among the groups gnomAD compares: Middle Eastern, 0.066%; no homozygotes.

Submissions (2):

Blueprint Genetics
Classification: Likely benign. Last evaluated: 2024-11-12. Review status: criteria provided, single submitter. Criteria: ACMG Guidelines, 2015. Collection method: clinical testing. Allele origin: germline.

CeGaT Center for Human Genetics Tuebingen
Classification: Likely benign. Last evaluated: 2022-06-01. Review status: criteria provided, single submitter. Criteria: CeGaT Center For Human Genetics Tuebingen Variant Classification Criteria Version 2. Collection method: clinical testing. Allele origin: germline. Affected: yes. Observed: 1 variant allele.
Comment: GRIK2: BP4, BP7

NM_021956.5(GRIK2):c.825C>T (p.Asn275=)

Gene: GRIK2 (glutamate ionotropic receptor kainate type subunit 2; plus strand). Cytogenetic location: 6q16.3.
Variant type: single nucleotide variant.
Coding change: c.825C>T on transcript NM_021956.5 (MANE Select); coding-DNA position 825, C replaced by T.
Protein change: p.Asn275=; no amino-acid change (asparagine 275 retained).
Molecular consequence: synonymous variant.
Genome position (GRCh38, 1-based): chr6:101,686,227, C>T. VCF-style: chr6-101686227-C-T. GRCh37 (hg19) VCF-style: chr6-102134102-C-T.
Other names: c.825C>T, p.Asn275= (NM_001166247.1, NM_175768.3).
Identifiers: ClinVar variation 2656788 (VCV002656788.25), dbSNP rs140114474, ClinGen allele CA3939418.